The following is an entry in ClinVar:

ClinVar aggregate classification (germline): not provided (0 of 4 stars; one submission).

Allele frequency attached by ClinVar (database versions not stated): gnomAD exomes 0.00006 and 0.00011; ExAC 0.00028; gnomAD 0.00038 and 0.00039; TOPMed 0.00043; ESP Exome Variant Server 0.00054; 1000 Genomes Project 0.00060; 1000 Genomes Project 30x 0.00062.
gnomAD v4.1: 154 of 1,599,104 alleles (0.0096%); highest among the groups gnomAD compares: African/African-American, 0.14%; no homozygotes.

Submission:

ITMI
No classification provided. Condition: AllHighlyPenetrant. Last evaluated: 2013-09-19. Review status: no classification provided. Collection method: reference population. Allele origin: germline.
Comment: Please see associated publication for description of ethnicities

Literature cited by the submitters: PubMed 24728327.

NM_003820.4(TNFRSF14):c.408C>T (p.Ala136=)

Gene: TNFRSF14 (TNF receptor superfamily member 14; plus strand). Cytogenetic location: 1p36.32.
Variant type: single nucleotide variant.
Coding change: c.408C>T on transcript NM_003820.4 (MANE Select); coding-DNA position 408, C replaced by T.
Protein change: p.Ala136=; no amino-acid change (alanine 136 retained).
Molecular consequence: synonymous variant.
Genome position (GRCh38, 1-based): chr1:2,559,926, C>T. VCF-style: chr1-2559926-C-T. GRCh37 (hg19) VCF-style: chr1-2491365-C-T.
Other names: c.408C>T, p.Ala136= (NM_001297605.2).
Identifiers: ClinVar variation 135352 (VCV000135352.1), dbSNP rs35239228, ClinGen allele CA162454.